The following is an entry in ClinVar:

ClinVar aggregate classification (germline): Uncertain significance (1 of 4 stars; one submission).

gnomAD v4.1: 63 of 1,518,658 alleles (0.0041%); highest among the groups gnomAD compares: Non-Finnish European, 0.0052%; no homozygotes.

Submission:

Labcorp Genetics (formerly Invitae), Labcorp
Classification: Uncertain significance. Last evaluated: 2024-04-18. Review status: criteria provided, single submitter. Criteria: Invitae Variant Classification Sherloc (09022015). Collection method: clinical testing. Allele origin: germline.
Comment: This sequence change replaces phenylalanine, which is neutral and non-polar, with leucine, which is neutral and non-polar, at codon 255 of the DGAT1 protein (p.Phe255Leu). This variant is present in population databases (rs782501227, gnomAD 0.004%). This variant has not been reported in the literature in individuals affected with DGAT1-related conditions. Advanced modeling of protein sequence and biophysical properties (such as structural, functional, and spatial information, amino acid conservation, physicochemical variation, residue mobility, and thermodynamic stability) performed at Invitae indicates that this missense variant is expected to disrupt DGAT1 protein function with a positive predictive value of 80%. In summary, the available evidence is currently insufficient to determine the role of this variant in disease. Therefore, it has been classified as a Variant of Uncertain Significance.

NM_012079.6(DGAT1):c.763T>C (p.Phe255Leu)

Gene: DGAT1 (diacylglycerol O-acyltransferase 1; minus strand). Cytogenetic location: 8q24.3.
Variant type: single nucleotide variant.
Coding change: c.763T>C on transcript NM_012079.6 (MANE Select); coding-DNA position 763, T replaced by C.
Protein change: p.Phe255Leu; replaces phenylalanine 255 with leucine.
Molecular consequence: missense variant.
Genome position (GRCh38, 1-based): chr8:144,318,006, A>G on the plus strand (T>C on the coding strand, the complement: DGAT1 is on the minus strand). VCF-style: chr8-144318006-A-G. GRCh37 (hg19) VCF-style: chr8-145541669-A-G.
Other names: short protein forms F255L.
Identifiers: ClinVar variation 3626030 (VCV003626030.1).